The following is an entry in ClinVar:

NM_152468.5(TMC8):c.966G>T (p.Lys322Asn)

Gene: TMC8 (transmembrane channel like 8; plus strand). Cytogenetic location: 17q25.3.
Variant type: single nucleotide variant.
Coding change: c.966G>T on transcript NM_152468.5 (MANE Select); coding-DNA position 966, G replaced by T.
Protein change: p.Lys322Asn; replaces lysine 322 with asparagine.
Molecular consequence: missense variant.
Genome position (GRCh38, 1-based): chr17:78,134,543, G>T. VCF-style: chr17-78134543-G-T. GRCh37 (hg19) VCF-style: chr17-76130624-G-T.
Other names: short protein forms K322N.
Identifiers: ClinVar variation 1022470 (VCV001022470.6), dbSNP rs2075167796, ClinGen allele CA401245613.
Genomic context (GRCh38, chr17:78,134,543, plus strand): 5'-CAACGTACTCAACGGGCTCCTGGTGGTTGGGGCCATCAGCGCCATCTTCTGGGCTACCAA[G>T]TACTCACAGGACAACAAGGAGGTGTCAGGCAACTGCATTCATTTAATCCTGGCCAGAACT-3'
Protein context (NP_689681.2, residues 312-332): GAISAIFWAT[Lys322Asn]YSQDNKEESL

ClinVar aggregate classification (germline): Uncertain significance (1 of 4 stars; one submission).

Conditions:
Epidermodysplasia verruciformis. Identifiers: Orphanet 302, MedGen C0014522, MONDO:0009176.

Submission:

Labcorp Genetics (formerly Invitae), Labcorp
Classification: Uncertain significance for Epidermodysplasia verruciformis. Last evaluated: 2021-08-31. Review status: criteria provided, single submitter. Criteria: Invitae Variant Classification Sherloc (09022015). Collection method: clinical testing. Allele origin: germline.
Comment: This sequence change replaces lysine with asparagine at codon 322 of the TMC8 protein (p.Lys322Asn). The lysine residue is moderately conserved and there is a moderate physicochemical difference between lysine and asparagine. This variant is not present in population databases (ExAC no frequency). This variant has not been reported in the literature in individuals affected with TMC8-related conditions. Algorithms developed to predict the effect of missense changes on protein structure and function are either unavailable or do not agree on the potential impact of this missense change (SIFT: "Tolerated"; PolyPhen-2: "Possibly Damaging"; Align-GVGD: "Class C0"). In summary, the available evidence is currently insufficient to determine the role of this variant in disease. Therefore, it has been classified as a Variant of Uncertain Significance.